The following is an entry in ClinVar:

ClinVar aggregate classification (germline): Uncertain significance (1 of 4 stars; one submission).

gnomAD v4.1: 11 of 1,376,298 alleles (0.0008%); highest among the groups gnomAD compares: East Asian, 0.0076%; no homozygotes.

Submission:

Ambry Genetics
Classification: Uncertain significance. Last evaluated: 2026-04-08. Review status: criteria provided, single submitter. Criteria: Ambry Variant Classification Scheme 2023. Collection method: clinical testing. Allele origin: germline.
Comment: The c.976G>C (p.E326Q) alteration is located in exon 2 (coding exon 2) of the TCHH gene. This alteration results from a G to C substitution at nucleotide position 976, causing the glutamic acid (E) at amino acid position 326 to be replaced by a glutamine (Q). Based on data from gnomAD, the C allele has an overall frequency of 0.001% (3/244412) total alleles studied. The highest observed frequency was 0.003% (3/111958) of European (non-Finnish) alleles. Based on insufficient or conflicting evidence, the clinical significance of this alteration remains unclear.

NM_007113.4(TCHH):c.976G>C (p.Glu326Gln)

Gene: TCHH (trichohyalin; minus strand). Cytogenetic location: 1q21.3.
Variant type: single nucleotide variant.
Coding change: c.976G>C on transcript NM_007113.4 (MANE Select); coding-DNA position 976, G replaced by C.
Protein change: p.Glu326Gln; replaces glutamic acid 326 with glutamine.
Molecular consequence: missense variant.
Genome position (GRCh38, 1-based): chr1:152,112,241, C>G on the plus strand (G>C on the coding strand, the complement: TCHH is on the minus strand). VCF-style: chr1-152112241-C-G. GRCh37 (hg19) VCF-style: chr1-152084717-C-G.
Other names: short protein forms E326Q.
Identifiers: ClinVar variation 4865391 (VCV004865391.1).